The following is an entry in ClinVar:

ClinVar aggregate classification (germline): Likely benign (1 of 4 stars; one submission).

Allele frequency attached by ClinVar (database versions not stated): gnomAD exomes 0.00029; ExAC 0.00121; 1000 Genomes Project 30x 0.00187; 1000 Genomes Project 0.00220; gnomAD 0.00258; ESP Exome Variant Server 0.00293; TOPMed 0.00296.
gnomAD v4.1: 829 of 1,598,442 alleles (0.052%); highest among the groups gnomAD compares: African/African-American, 0.95%; 10 homozygotes.

Submission:

CeGaT Center for Human Genetics Tuebingen
Classification: Likely benign. Last evaluated: 2022-03-01. Review status: criteria provided, single submitter. Criteria: CeGaT Center For Human Genetics Tuebingen Variant Classification Criteria Version 2. Collection method: clinical testing. Allele origin: germline. Affected: yes. Observed: 1 variant allele.
Comment: CHLSN: BP4

NM_001318252.2(CHLSN):c.405+3G>A

Gene: CHLSN (cholesin; minus strand). Cytogenetic location: 7p22.3.
Variant type: single nucleotide variant.
Coding change: c.405+3G>A on transcript NM_001318252.2 (MANE Select); 3 bases into the intron after coding-DNA position 405, G replaced by A.
Molecular consequence: intron variant. On other transcripts: missense variant (1).
Genome position (GRCh38, 1-based): chr7:1,000,467, C>T on the plus strand (G>A on the coding strand, the complement: CHLSN is on the minus strand). VCF-style: chr7-1000467-C-T. GRCh37 (hg19) VCF-style: chr7-1040103-C-T.
Other names: c.17G>A, p.Cys6Tyr (NM_001424329.1); c.405+3G>A (NM_001424326.1, NM_001424325.1, NM_001134396.1 and 3 more transcripts); c.18+3G>A (NM_001424327.1); c.363+3G>A (NM_001350969.2); short protein forms C6Y.
Identifiers: ClinVar variation 2657175 (VCV002657175.24), dbSNP rs200017484, ClinGen allele CA4114925.